The following is an entry in ClinVar:

NM_145045.5(ODAD3):c.834T>G (p.Ile278Met)

Gene: ODAD3 (outer dynein arm docking complex subunit 3; minus strand). Cytogenetic location: 19p13.2.
Variant type: single nucleotide variant.
Coding change: c.834T>G on transcript NM_145045.5 (MANE Select); coding-DNA position 834, T replaced by G.
Protein change: p.Ile278Met; replaces isoleucine 278 with methionine.
Molecular consequence: missense variant.
Genome position (GRCh38, 1-based): chr19:11,426,452, A>C on the plus strand (T>G on the coding strand, the complement: ODAD3 is on the minus strand). VCF-style: chr19-11426452-A-C. GRCh37 (hg19) VCF-style: chr19-11537272-A-C.
Other names: c.654T>G, p.Ile218Met (NM_001302454.2); c.672T>G, p.Ile224Met (NM_001302453.1); short protein forms I218M, I224M, I278M.
Identifiers: ClinVar variation 3905273 (VCV003905273.10).

ClinVar aggregate classification (germline): Uncertain significance (1 of 4 stars; one submission).

gnomAD v4.1: 3 of 1,613,834 alleles (0.00019%); highest among the groups gnomAD compares: African/African-American, 0.0027%; no homozygotes.

Submission:

CeGaT Center for Human Genetics Tuebingen
Classification: Uncertain significance. Last evaluated: 2025-05-01. Review status: criteria provided, single submitter. Criteria: CeGaT Center For Human Genetics Tuebingen Variant Classification Criteria Version 2. Collection method: clinical testing. Allele origin: germline. Affected: yes. Observed: 1 variant allele.
Comment: ODAD3: PM2, BP4